The following is an entry in ClinVar:

ClinVar aggregate classification (germline): Uncertain significance. Review status: criteria provided, multiple submitters, no conflicts (2 of 4 stars). 2 submissions from 2 submitters: Uncertain significance (2). Last evaluated 2026-01-27.

Conditions:
Inborn genetic diseases. Identifiers: MedGen C0950123, MeSH D030342.

Allele frequency attached by ClinVar (database versions not stated): ExAC 0.00003; gnomAD 0.00003; gnomAD exomes 0.00004; TOPMed 0.00006.
gnomAD v4.1: 63 of 1,612,704 alleles (0.0039%); highest among the groups gnomAD compares: Admixed American, 0.005%; no homozygotes.

Submissions (2):

Labcorp Genetics (formerly Invitae), Labcorp
Classification: Uncertain significance. Last evaluated: 2026-01-27. Review status: criteria provided, single submitter. Criteria: Invitae Variant Classification Sherloc (09022015). Collection method: clinical testing. Allele origin: germline.
Comment: This sequence change replaces serine, which is neutral and polar, with leucine, which is neutral and non-polar, at codon 1169 of the LAMA5 protein (p.Ser1169Leu). This variant is present in population databases (rs749033109, gnomAD 0.01%). This variant has not been reported in the literature in individuals affected with LAMA5-related conditions. ClinVar contains an entry for this variant (Variation ID: 2187776). An algorithm developed to predict the effect of missense changes on protein structure and function (PolyPhen-2) suggests that this variant is likely to be disruptive. In summary, the available evidence is currently insufficient to determine the role of this variant in disease. Therefore, it has been classified as a Variant of Uncertain Significance.

Ambry Genetics
Classification: Uncertain significance for Inborn genetic diseases. Last evaluated: 2025-06-18. Review status: criteria provided, single submitter. Criteria: Ambry Variant Classification Scheme 2023. Collection method: clinical testing. Allele origin: germline.

NM_005560.6(LAMA5):c.3506C>T (p.Ser1169Leu)

Gene: LAMA5 (laminin subunit alpha 5; minus strand). Cytogenetic location: 20q13.33.
Variant type: single nucleotide variant.
Coding change: c.3506C>T on transcript NM_005560.6 (MANE Select); coding-DNA position 3506, C replaced by T.
Protein change: p.Ser1169Leu; replaces serine 1169 with leucine.
Molecular consequence: missense variant.
Genome position (GRCh38, 1-based): chr20:62,332,418, G>A on the plus strand (C>T on the coding strand, the complement: LAMA5 is on the minus strand). VCF-style: chr20-62332418-G-A. GRCh37 (hg19) VCF-style: chr20-60907474-G-A.
Other names: c.3506C>T (NM_005560.3); short protein forms S1169L.
Identifiers: ClinVar variation 2187776 (VCV002187776.5), dbSNP rs749033109, ClinGen allele CA9942978.